The following is an entry in ClinVar:

NM_139027.6(ADAMTS13):c.1681T>C (p.Ser561Pro)

Gene: ADAMTS13 (ADAM metallopeptidase with thrombospondin type 1 motif 13; plus strand). Cytogenetic location: 9q34.2.
Variant type: single nucleotide variant.
Coding change: c.1681T>C on transcript NM_139027.6 (MANE Select); coding-DNA position 1681, T replaced by C.
Protein change: p.Ser561Pro; replaces serine 561 with proline.
Molecular consequence: missense variant.
Genome position (GRCh38, 1-based): chr9:133,438,342, T>C. VCF-style: chr9-133438342-T-C. GRCh37 (hg19) VCF-style: chr9-136303462-T-C.
Other names: c.1681T>C, p.Ser561Pro (NM_139025.5); c.1588T>C, p.Ser530Pro (NM_139026.6); short protein forms S530P, S561P.
Identifiers: ClinVar variation 2152599 (VCV002152599.3), dbSNP rs1000073885, ClinGen allele CA200930776.
Genomic context (GRCh38, chr9:133,438,342, plus strand): 5'-GTATGGGACAGGTGCCAGGTGTGTGGTGGGGACAACAGCACGTGCAGCCCACGGAAGGGC[T>C]CTTTCACAGCTGGCAGAGCGAGAGGTAGGCGGCCTCCCTCGGGGCAGAGGCTGGGCTTCC-3'
Protein context (NP_620596.2, residues 551-571): DNSTCSPRKG[Ser561Pro]FTAGRAREYV

ClinVar aggregate classification (germline): Uncertain significance (1 of 4 stars; one submission).

Allele frequency attached by ClinVar (database versions not stated): gnomAD 0.00001; TOPMed 0.00002.
gnomAD v4.1: 14 of 1,613,902 alleles (0.00087%); highest among the groups gnomAD compares: Non-Finnish European, 0.0011%; no homozygotes.

Submission:

Labcorp Genetics (formerly Invitae), Labcorp
Classification: Uncertain significance. Last evaluated: 2022-06-05. Review status: criteria provided, single submitter. Criteria: Invitae Variant Classification Sherloc (09022015). Collection method: clinical testing. Allele origin: germline.
Comment: In summary, the available evidence is currently insufficient to determine the role of this variant in disease. Therefore, it has been classified as a Variant of Uncertain Significance. Algorithms developed to predict the effect of missense changes on protein structure and function are either unavailable or do not agree on the potential impact of this missense change (SIFT: "Deleterious"; PolyPhen-2: "Probably Damaging"; Align-GVGD: "Class C0"). This variant has not been reported in the literature in individuals affected with ADAMTS13-related conditions. This variant is present in population databases (no rsID available, gnomAD 0.003%). This sequence change replaces serine, which is neutral and polar, with proline, which is neutral and non-polar, at codon 561 of the ADAMTS13 protein (p.Ser561Pro).